The following is an entry in ClinVar:

NM_032409.3(PINK1):c.1015G>A (p.Ala339Thr)

Genes: PINK1 (PTEN induced kinase 1; plus strand), PINK1-AS (PINK1 antisense RNA; minus strand). Cytogenetic location: 1p36.12.
Variant type: single nucleotide variant.
Coding change: c.1015G>A on transcript NM_032409.3 (MANE Select); coding-DNA position 1015, G replaced by A.
Protein change: p.Ala339Thr; replaces alanine 339 with threonine.
Molecular consequence: missense variant. On other transcripts: non-coding transcript variant (1).
Genome position (GRCh38, 1-based): chr1:20,645,615, G>A. VCF-style: chr1-20645615-G-A. GRCh37 (hg19) VCF-style: chr1-20972108-G-A.
Other names: short protein forms A339T.
Identifiers: ClinVar variation 500148 (VCV000500148.68), dbSNP rs55831733, ClinGen allele CA660667.
Genomic context (GRCh38, chr1:20,645,615, plus strand): 5'-GCCAGCTATCCCTGTACCCTGCGCCAGTACCTTTGTGTGAACACACCCAGCCCCCGCCTC[G>A]CCGCCATGATGCTGCTGCAGCTGCTGGAAGGCGTGGACCATCTGGTTCAACAGGGCATCG-3'
Protein context (NP_115785.1, residues 329-349): LCVNTPSPRL[Ala339Thr]AMMLLQLLEG

ClinVar aggregate classification (germline): Uncertain significance. Review status: criteria provided, multiple submitters, no conflicts (2 of 4 stars). 12 submissions from 12 submitters: Uncertain significance (11). 1 of the submissions does not count toward it. Last evaluated 2026-09-01.

Conditions:
PINK1-related disorder. Also called: PINK1-related condition.
Autosomal recessive early-onset Parkinson disease 6 (PARK6). Also called: PARKINSON DISEASE 6, EARLY-ONSET; PINK1-Related Parkinson Disease; PINK1 Type of Young-Onset Parkinson Disease; PARKINSON DISEASE 6, MODIFIER OF. Identifiers: Orphanet 2828, MedGen C1853833, MONDO:0011613, OMIM 605909.

Allele frequency attached by ClinVar (database versions not stated): ExAC 0.00049; gnomAD exomes 0.00058 and 0.00141; 1000 Genomes Project 0.00060; TOPMed 0.00071; gnomAD 0.00073 and 0.00074; 1000 Genomes Project 30x 0.00078; ESP Exome Variant Server 0.00092.
gnomAD v4.1: 2,157 of 1,613,680 alleles (0.13%); highest among the groups gnomAD compares: Non-Finnish European, 0.17%; 3 homozygotes.

Submissions 1 to 9 of 12:

CeGaT Center for Human Genetics Tuebingen
Classification: Uncertain significance. Last evaluated: 2026-09-01. Review status: criteria provided, single submitter. Criteria: CeGaT Center For Human Genetics Tuebingen Variant Classification Criteria Version 2. Collection method: clinical testing. Allele origin: germline. Affected: yes. Observed: 3 variant alleles.
Comment: PINK1: PS3:Supporting, BP4

Women's Health and Genetics/Laboratory Corporation of America, LabCorp
Classification: Uncertain significance. Last evaluated: 2025-01-14. Review status: criteria provided, single submitter. Criteria: LabCorp Variant Classification Summary - May 2015. Collection method: clinical testing. Allele origin: germline.
Comment: Variant summary: PINK1 c.1015G>A (p.Ala339Thr) results in a non-conservative amino acid change located in the protein kinase domain (IPR000719) of the encoded protein sequence. Three of five in-silico tools predict a benign effect of the variant on protein function. The variant allele was found at a frequency of 0.00058 in 251376 control chromosomes. This frequency is not significantly higher than estimated for a pathogenic variant in PINK1 causing Autosomal Recessive Early-Onset Parkinson Disease 6, allowing no conclusion about variant significance. c.1015G>A has been reported in the literature in individuals affected with Parkinson Disease (e.g., Brooks_2009, DiFonzo_2023, Gandhi_2006, Junker_2024, Landoulsi_2023, Marongiu_2009, Petersen_2015, Rogaeva_2004, Zech_2017, Schroeder_2008, Abou-Sleiman_2006). These reports do not provide unequivocal conclusions about association of the variant with Autosomal Recessive Early-Onset Parkinson Disease 6. Several publication reports experimental evidence evaluating an impact on protein function (e.g., Tan_2009, Zhou_2014, Broadway_2022). This variant was shown to induce greater apoptosis rate (Tan_2009), to increase cell vulnerability to oxidative stress (Zhou_2014), and was shown to have approximately 75% functional activity compared to wild type (Broadway_2022). The following publications have been ascertained in the context of this evaluation (PMID: 35954270, 19351622, 37750340, 16702191, 38529492, 38173558, 18330912, 25466404, 15596610, 19847793, 28849312, 24374372, 18403612, 16969854). ClinVar contains an entry for this variant (Variation ID: 500148). Based on the evidence outlined above, the variant was classified as uncertain significance.

Blueprint Genetics
Classification: Uncertain significance. Last evaluated: 2024-11-20. Review status: criteria provided, single submitter. Criteria: ACMG Guidelines, 2015. Collection method: clinical testing. Allele origin: germline.

Labcorp Genetics (formerly Invitae), Labcorp
Classification: Uncertain significance for Autosomal recessive early-onset Parkinson disease 6. Last evaluated: 2024-01-29. Review status: criteria provided, single submitter. Criteria: Invitae Variant Classification Sherloc (09022015). Collection method: clinical testing. Allele origin: germline.
Comment: This sequence change replaces alanine, which is neutral and non-polar, with threonine, which is neutral and polar, at codon 339 of the PINK1 protein (p.Ala339Thr). This variant is present in population databases (rs55831733, gnomAD 0.09%), and has an allele count higher than expected for a pathogenic variant. This missense change has been observed in individual(s) with Parkinson disease (PMID: 15596610, 16702191, 18330912, 18403612, 19351622, 25466404, 28849312). ClinVar contains an entry for this variant (Variation ID: 500148). Advanced modeling of protein sequence and biophysical properties (such as structural, functional, and spatial information, amino acid conservation, physicochemical variation, residue mobility, and thermodynamic stability) performed at Invitae indicates that this missense variant is not expected to disrupt PINK1 protein function with a negative predictive value of 80%. Experimental studies have shown that this missense change affects PINK1 function (PMID: 19847793, 24374372). In summary, the available evidence is currently insufficient to determine the role of this variant in disease. Therefore, it has been classified as a Variant of Uncertain Significance.

Mayo Clinic Laboratories, Mayo Clinic
Classification: Uncertain significance. Last evaluated: 2024-01-09. Review status: criteria provided, single submitter. Criteria: ACMG Guidelines, 2015. Collection method: clinical testing. Allele origin: germline. Observed: 1 variant allele.
Comment: BS1, PS3_moderate

Athena Diagnostics
Classification: Uncertain significance. Last evaluated: 2023-12-05. Review status: criteria provided, single submitter. Criteria: Athena Diagnostics Criteria. Collection method: clinical testing. Allele origin: unknown.
Comment: Available data are insufficient to determine the clinical significance of the variant at this time. The frequency of this variant in the general population is higher than would generally be expected for pathogenic variants in this gene. (Genome Aggregation Database (gnomAD), Cambridge, MA (URL)) This variant has been identified in the heterozygous state in multiple individuals with Parkinson disease, however the significance of these occurrences when compared to the population frequency of this variant is uncertain. Assessment of experimental evidence suggests this variant results in abnormal protein function. (PMID: 19847793, 24374372, 34893635, 35954270) he variant is located in a region that is considered important for protein function and/or structure.

Molecular Genetics, Royal Melbourne Hospital
Classification: Uncertain significance for Autosomal recessive early-onset Parkinson disease 6. Last evaluated: 2022-04-22. Review status: criteria provided, single submitter. Criteria: ACMG Guidelines, 2015. Collection method: clinical testing. Allele origin: germline.
Comment: This sequence change is predicted to replace alanine with threonine at codon 339 of the PINK1 protein (p.(Ala339Thr)). The alanine residue is moderately conserved (100 vertebrates, UCSC), and is located in the protein kinase domain. There is a small physicochemical difference between alanine and threonine. The variant is present in a large population cohort at a frequency of 0.06% (rs55831733, 163/282,728 alleles, 0 homozygotes in gnomAD v2.1). The variant has been identified compound heterozygous with a PINK1 variant of uncertain significance in an individual with a dystonia-Parkinsonism phenotype (PMID: 28849312). It has been identified heterozygous in multiple individuals with Parkinson disease, but is not significantly increased compared with the prevalence in controls (PMID: 15596610, 16702191, 16969854, 18330912, 25466404). In vitro functional assays demonstrate the variant causes increased sensitivity to oxidative stress in dopaminergic neurons (PMID: 19847793, 24374372). Multiple lines of computational evidence predict a benign effect for the missense substitution (5/6 algorithms). Based on the classification scheme RMH Modified ACMG Guidelines v1.3.1, this variant is classified as a VARIANT OF UNCERTAIN SIGNIFICANCE. Following criteria are met: PS3_Supporting.

GeneDx
Classification: Uncertain significance. Last evaluated: 2021-01-12. Review status: criteria provided, single submitter. Criteria: GeneDx Variant Classification Process June 2021. Collection method: clinical testing. Allele origin: germline. Affected: yes.
Comment: Reported as a heterozygous variant in patients with Parkinson disease in published literature (Rogaeva et al., 2004; Abou-Sleiman et al., 2006; Gadhi et al., 2006; Peterson et al., 2015); Published functional studies suggest that A339T may have a damaging effect on protein function (Tan et al., 2009); In silico analysis supports that this missense variant does not alter protein structure/function; This variant is associated with the following publications: (PMID: 16969854, 18330912, 19351622, 22451330, 21412950, 16547921, 16702191, 24374372, 25466404, 15596610, 20981092, 19847793, 22644621, 24441527, 18403612, 28849312)

ARUP Laboratories, Molecular Genetics and Genomics, ARUP Laboratories
Classification: Uncertain significance. Last evaluated: 2017-08-18. Review status: criteria provided, single submitter. Criteria: ARUP Molecular Germline Variant Investigation Process. Collection method: clinical testing. Allele origin: germline.
Comment: The p.Ala339Thr variant (rs55831733) has been reported as a heterozygote in several individuals included in cohorts of Parkinsonâ€™s disease (PD) patients while being absent or rare in controls (Abou-Sleiman 2006, Brooks 2009, Gandhi 2006, Marongiu 2008, Petersen 2015, Rogaeva 2004). However, this putative enrichment in patient populations has never been supported statistically and co-segregation of the p.Ala339Thr variant with PD has not been reported. Furthermore, in despite of research efforts, the impact of heterozygous PINK1 variants on the development of PD is not completely understood, and PINK1 variants are classically associated with autosomal recessive inheritance (see link to GeneReviews). None the less, expression of p.Ala339Thr variant protein in cell culture has been shown to sensitize cells to oxidative stress resulting in increased apoptosis compared with expression of wild-type PINK1 (Tan 2009 and Zhou 2014). This variant is listed in the Genome Aggregation Database (gnomAD) browser with an overall frequency of 0.05% (identified in 157 out of 277,112 chromosomes). Taken together, the clinical significance of the p.Ala339Thr variant cannot be determined with certainty.